The following is an entry in ClinVar:

ClinVar aggregate classification (germline): Uncertain significance (1 of 4 stars; one submission).

Conditions:
Charcot-Marie-Tooth disease type 1C. Also called: CHARCOT-MARIE-TOOTH DISEASE, DEMYELINATING, TYPE 1C; CMT, SLOW NERVE CONDUCTION TYPE C; HMSN IC; CHARCOT-MARIE-TOOTH NEUROPATHY, TYPE 1C; NEUROPATHY, HEREDITARY MOTOR AND SENSORY, TYPE IC; Charcot-Marie-Tooth disease, type IC. Identifiers: Orphanet 101083, MedGen C0270913, MONDO:0010995, OMIM 601098.

Submission:

Labcorp Genetics (formerly Invitae), Labcorp
Classification: Uncertain significance for Charcot-Marie-Tooth disease type 1C. Last evaluated: 2018-04-19. Review status: criteria provided, single submitter. Criteria: Invitae Variant Classification Sherloc (09022015). Collection method: clinical testing. Allele origin: germline.
Comment: This variant is not present in population databases (ExAC no frequency). This sequence change replaces leucine with valine at codon 114 of the LITAF protein (p.Leu114Val). The leucine residue is highly conserved and there is a small physicochemical difference between leucine and valine. This variant has not been reported in the literature in individuals with LITAF-related disease. In summary, the available evidence is currently insufficient to determine the role of this variant in disease. Therefore, it has been classified as a Variant of Uncertain Significance. Algorithms developed to predict the effect of missense changes on protein structure and function do not agree on the potential impact of this missense change (SIFT: "Tolerated"; PolyPhen-2: "Probably Damaging"; Align-GVGD: "Class C0").

NM_001136472.2(LITAF):c.340C>G (p.Leu114Val)

Gene: LITAF (lipopolysaccharide induced TNF factor; minus strand). Cytogenetic location: 16p13.13.
Variant type: single nucleotide variant.
Coding change: c.340C>G on transcript NM_001136472.2 (MANE Select); coding-DNA position 340, C replaced by G.
Protein change: p.Leu114Val; replaces leucine 114 with valine.
Molecular consequence: missense variant. On other transcripts: non-coding transcript variant (1).
Genome position (GRCh38, 1-based): chr16:11,553,570, G>C on the plus strand (C>G on the coding strand, the complement: LITAF is on the minus strand). VCF-style: chr16-11553570-G-C. GRCh37 (hg19) VCF-style: chr16-11647426-G-C.
Other names: c.340C>G, p.Leu114Val (NM_001136473.1, NM_004862.4); short protein forms L114V.
Identifiers: ClinVar variation 582639 (VCV000582639.8), dbSNP rs1567235442, ClinGen allele CA394765265.